The following is an entry in ClinVar:

ClinVar aggregate classification (germline): Conflicting classifications of pathogenicity. Review status: criteria provided, conflicting classifications (1 of 4 stars). 2 submissions from 2 submitters: Uncertain significance (1); Likely benign (1). Last evaluated 2025-04-11.

Conditions:
Inborn genetic diseases. Identifiers: MedGen C0950123, MeSH D030342.

gnomAD v4.1: 2 of 1,607,150 alleles (0.00012%); highest among the groups gnomAD compares: South Asian, 0.0011%; no homozygotes.

Submissions (2):

Ambry Genetics
Classification: Likely benign for Inborn genetic diseases. Last evaluated: 2025-04-11. Review status: criteria provided, single submitter. Criteria: Ambry Variant Classification Scheme 2023. Collection method: clinical testing. Allele origin: germline.

Labcorp Genetics (formerly Invitae), Labcorp
Classification: Uncertain significance. Last evaluated: 2024-02-27. Review status: criteria provided, single submitter. Criteria: Invitae Variant Classification Sherloc (09022015). Collection method: clinical testing. Allele origin: germline.
Comment: This sequence change replaces serine, which is neutral and polar, with glycine, which is neutral and non-polar, at codon 663 of the ASXL1 protein (p.Ser663Gly). This variant is present in population databases (rs775538653, gnomAD 0.003%). This variant has not been reported in the literature in individuals affected with ASXL1-related conditions. Algorithms developed to predict the effect of missense changes on protein structure and function output the following: SIFT: "Not Available"; PolyPhen-2: "Benign"; Align-GVGD: "Not Available". The glycine amino acid residue is found in multiple mammalian species, which suggests that this missense change does not adversely affect protein function. In summary, the available evidence is currently insufficient to determine the role of this variant in disease. Therefore, it has been classified as a Variant of Uncertain Significance.

NM_015338.6(ASXL1):c.1987A>G (p.Ser663Gly)

Gene: ASXL1 (ASXL transcriptional regulator 1; plus strand). Cytogenetic location: 20q11.21.
Variant type: single nucleotide variant.
Coding change: c.1987A>G on transcript NM_015338.6 (MANE Select); coding-DNA position 1987, A replaced by G.
Protein change: p.Ser663Gly; replaces serine 663 with glycine.
Molecular consequence: missense variant.
Genome position (GRCh38, 1-based): chr20:32,434,699, A>G. VCF-style: chr20-32434699-A-G. GRCh37 (hg19) VCF-style: chr20-31022502-A-G.
Other names: c.1804A>G, p.Ser602Gly (NM_001363734.1); short protein forms S602G, S663G.
Identifiers: ClinVar variation 3678414 (VCV003678414.3).